The following is an entry in ClinVar:

NM_181882.3(PRX):c.4283A>C (p.Gln1428Pro)

Gene: PRX (periaxin; minus strand). Cytogenetic location: 19q13.2.
Variant type: single nucleotide variant.
Coding change: c.4283A>C on transcript NM_181882.3 (MANE Select); coding-DNA position 4283, A replaced by C.
Protein change: p.Gln1428Pro; replaces glutamine 1428 with proline.
Molecular consequence: missense variant. On other transcripts: 3 prime UTR variant (1).
Genome position (GRCh38, 1-based): chr19:40,394,069, T>G on the plus strand (A>C on the coding strand, the complement: PRX is on the minus strand). VCF-style: chr19-40394069-T-G. GRCh37 (hg19) VCF-style: chr19-40899976-T-G.
Other names: c.*4488A>C (NM_020956.2); short protein forms Q1428P.
Identifiers: ClinVar variation 1305050 (VCV001305050.3), dbSNP rs2145724629, ClinGen allele CA405889906.

ClinVar aggregate classification (germline): Uncertain significance. Review status: criteria provided, multiple submitters, no conflicts (2 of 4 stars). 2 submissions from 2 submitters: Uncertain significance (2). Last evaluated 2024-11-08.

Conditions:
Inborn genetic diseases. Identifiers: MedGen C0950123, MeSH D030342.

gnomAD v4.1: 1 of 1,612,028 alleles (0.000062%); highest among the groups gnomAD compares: Non-Finnish European, 0.000085%; no homozygotes.

Submissions (2):

Ambry Genetics
Classification: Uncertain significance for Inborn genetic diseases. Last evaluated: 2024-11-08. Review status: criteria provided, single submitter. Criteria: Ambry Variant Classification Scheme 2023. Collection method: clinical testing. Allele origin: germline.

GeneDx
Classification: Uncertain significance. Last evaluated: 2019-04-16. Review status: criteria provided, single submitter. Criteria: GeneDx Variant Classification Process June 2021. Collection method: clinical testing. Allele origin: germline. Affected: yes.
Comment: Has not been previously published as pathogenic or benign to our knowledge; Not observed in large population cohorts (Lek et al., 2016); In silico analysis, which includes protein predictors and evolutionary conservation, supports that this variant does not alter protein structure/function